The following is an entry in ClinVar:

ClinVar aggregate classification (germline): Uncertain significance. Review status: criteria provided, multiple submitters, no conflicts (2 of 4 stars). 2 submissions from 2 submitters: Uncertain significance (2). Last evaluated 2025-11-19.

Allele frequency attached by ClinVar (database versions not stated): gnomAD 0.00001; gnomAD exomes 0.00001; ExAC 0.00002.
gnomAD v4.1: 24 of 1,613,852 alleles (0.0015%); highest among the groups gnomAD compares: East Asian, 0.0067%; no homozygotes.

Submissions (2):

Ambry Genetics
Classification: Uncertain significance. Last evaluated: 2025-11-19. Review status: criteria provided, single submitter. Criteria: Ambry Variant Classification Scheme 2023. Collection method: clinical testing. Allele origin: germline.

Labcorp Genetics (formerly Invitae), Labcorp
Classification: Uncertain significance. Last evaluated: 2023-09-18. Review status: criteria provided, single submitter. Criteria: Invitae Variant Classification Sherloc (09022015). Collection method: clinical testing. Allele origin: germline.
Comment: This variant has not been reported in the literature in individuals affected with CELSR2-related conditions. ClinVar contains an entry for this variant (Variation ID: 2272476). Advanced modeling of protein sequence and biophysical properties (such as structural, functional, and spatial information, amino acid conservation, physicochemical variation, residue mobility, and thermodynamic stability) performed at Invitae indicates that this missense variant is not expected to disrupt CELSR2 protein function. In summary, the available evidence is currently insufficient to determine the role of this variant in disease. Therefore, it has been classified as a Variant of Uncertain Significance. This variant is present in population databases (rs751045325, gnomAD 0.02%). This sequence change replaces alanine, which is neutral and non-polar, with threonine, which is neutral and polar, at codon 2574 of the CELSR2 protein (p.Ala2574Thr).

NM_001408.3(CELSR2):c.7720G>A (p.Ala2574Thr)

Gene: CELSR2 (cadherin EGF LAG seven-pass G-type receptor 2; plus strand). Cytogenetic location: 1p13.3.
Variant type: single nucleotide variant.
Coding change: c.7720G>A on transcript NM_001408.3 (MANE Select); coding-DNA position 7720, G replaced by A.
Protein change: p.Ala2574Thr; replaces alanine 2574 with threonine.
Molecular consequence: missense variant.
Genome position (GRCh38, 1-based): chr1:109,271,429, G>A. VCF-style: chr1-109271429-G-A. GRCh37 (hg19) VCF-style: chr1-109814051-G-A.
Other names: short protein forms A2574T.
Identifiers: ClinVar variation 2272476 (VCV002272476.6), dbSNP rs751045325, ClinGen allele CA988345.